The following is an entry in ClinVar:

NM_014225.6(PPP2R1A):c.1491C>G (p.His497Gln)

Gene: PPP2R1A (protein phosphatase 2 scaffold subunit Aalpha; plus strand). Cytogenetic location: 19q13.41.
Variant type: single nucleotide variant.
Coding change: c.1491C>G on transcript NM_014225.6 (MANE Select); coding-DNA position 1491, C replaced by G.
Protein change: p.His497Gln; replaces histidine 497 with glutamine.
Molecular consequence: missense variant. On other transcripts: non-coding transcript variant (1).
Genome position (GRCh38, 1-based): chr19:52,221,106, C>G. VCF-style: chr19-52221106-C-G. GRCh37 (hg19) VCF-style: chr19-52724359-C-G.
Other names: c.954C>G, p.His318Gln (NM_001363656.2); short protein forms H497Q, H318Q.
Identifiers: ClinVar variation 5008651 (VCV005008651.1).
Genomic context (GRCh38, chr19:52,221,106, plus strand): 5'-GGCCCATGCCACAATCATCCCCAAGGTCTTGGCCATGTCCGGAGACCCCAACTACCTGCA[C>G]CGCATGACTACGCTCTTCTGCATCAATGTGAGCCTTCCACCTGCCTGCTGGCCCATCCCT-3'
Protein context (NP_055040.2, residues 487-507): LAMSGDPNYL[His497Gln]RMTTLFCINV

ClinVar aggregate classification (germline): Uncertain significance (1 of 4 stars; one submission).

Submission:

GeneDx
Classification: Uncertain significance. Last evaluated: 2026-03-11. Review status: criteria provided, single submitter. Criteria: GeneDx Variant Classification Process June 2021. Collection method: clinical testing. Allele origin: germline.
Comment: Not observed at significant frequency in large population cohorts (gnomAD); In silico analysis supports that this missense variant has a deleterious effect on protein structure/function; Has not been previously published as pathogenic or benign to our knowledge